The following is an entry in ClinVar:

ClinVar aggregate classification (germline): Likely pathogenic (1 of 4 stars; one submission).

Conditions:
Cataract 10 multiple types. Also called: CATARACT 10, CONGENITAL ZONULAR, WITH SUTURAL OPACITIES. Identifiers: Orphanet 91492, MedGen C1833229, MONDO:0010948, OMIM 600881.

Submission:

New York Genome Center
Classification: Likely pathogenic for Cataract 10 multiple types. Last evaluated: 2023-03-24. Review status: criteria provided, single submitter. Criteria: NYGC Assertion Criteria 2020. Collection method: clinical testing. Allele origin: inherited. Observed: 1 variant allele, 1 heterozygote.
Comment: The inherited c.96+2T>C variant identified in the CRYBA1 gene is a single nucleotide canonical splice variant within intron 2 of 5. This variant is predicted to lead to the loss of the canonical donor +2 splice site (SpliceAI delta score 0.96, donor loss -2bp) resulting in exon 2 skipping and an out of frame consequence resulting in loss of function. This variant is absent from population databases (gnomADv2.1.1, gnomAD3.1.2, BRAVO-TOPMed, All of Us) suggesting it is not a common benign variant in the populations represented in those databases. This variant is absent from ClinVar and to our current knowledge has not been reported in affected individuals in the literature, however predicted loss of function variants both upstream and downstream of the one identified here have been reported in affected individuals in the literature (for Review [PMID:33827296]). Given its predicted deleterious nature and absence in population databases, the inherited c.96+2T>C variant identified in the CRYBA1 gene is reported as Likely Pathogenic.

NM_005208.5(CRYBA1):c.96+2T>C

Gene: CRYBA1 (crystallin beta A1; plus strand). Cytogenetic location: 17q11.2.
Variant type: single nucleotide variant.
Coding change: c.96+2T>C on transcript NM_005208.5 (MANE Select); the canonical splice donor site of the intron after coding-DNA position 96, T replaced by C.
Molecular consequence: splice donor variant.
Genome position (GRCh38, 1-based): chr17:29,249,208, T>C. VCF-style: chr17-29249208-T-C. GRCh37 (hg19) VCF-style: chr17-27576226-T-C.
Other names: c.96+2T>C (NM_005208.4).
Identifiers: ClinVar variation 4888399 (VCV004888399.1).